The following is an entry in ClinVar:

NM_001606.5(ABCA2):c.5924-5C>T

Genes: ABCA2 (ATP binding cassette subfamily A member 2; minus strand), LOC126860796 (CDK7 strongly-dependent group 2 enhancer GRCh37_chr9:139904888-139906087; plus strand). Cytogenetic location: 9q34.3.
Variant type: single nucleotide variant.
Coding change: c.5924-5C>T on transcript NM_001606.5 (MANE Select); 5 bases into the intron before coding-DNA position 5924, C replaced by T.
Molecular consequence: intron variant.
Genome position (GRCh38, 1-based): chr9:137,011,110, G>A on the plus strand (C>T on the coding strand, the complement: ABCA2 is on the minus strand). VCF-style: chr9-137011110-G-A. GRCh37 (hg19) VCF-style: chr9-139905562-G-A.
Other names: c.6014-5C>T (NM_212533.3); c.5921-5C>T (NM_001411042.1).
Identifiers: ClinVar variation 2659767 (VCV002659767.25), dbSNP rs374229573, ClinGen allele CA5353809.

ClinVar aggregate classification (germline): Likely benign. Review status: criteria provided, multiple submitters, no conflicts (2 of 4 stars). 2 submissions from 2 submitters: Likely benign (2). Last evaluated 2024-07-10.

Allele frequency attached by ClinVar (database versions not stated): gnomAD 0.00026; TOPMed 0.00029; ExAC 0.00030; ESP Exome Variant Server 0.00033; gnomAD exomes 0.00038; 1000 Genomes Project 0.00040; 1000 Genomes Project 30x 0.00047.
gnomAD v4.1: 590 of 1,612,216 alleles (0.037%); highest among the groups gnomAD compares: Non-Finnish European, 0.046%; no homozygotes.

Submissions (2):

Blueprint Genetics
Classification: Likely benign. Last evaluated: 2024-07-10. Review status: criteria provided, single submitter. Criteria: ACMG Guidelines, 2015. Collection method: clinical testing. Allele origin: germline.

CeGaT Center for Human Genetics Tuebingen
Classification: Likely benign. Last evaluated: 2023-07-01. Review status: criteria provided, single submitter. Criteria: CeGaT Center For Human Genetics Tuebingen Variant Classification Criteria Version 2. Collection method: clinical testing. Allele origin: germline. Affected: yes. Observed: 1 variant allele.
Comment: ABCA2: BP4